The following is an entry in ClinVar:

NM_001384140.1(PCDH15):c.3717+35T>C

Gene: PCDH15 (protocadherin related 15; minus strand). Cytogenetic location: 10q21.1.
Variant type: single nucleotide variant.
Coding change: c.3717+35T>C on transcript NM_001384140.1 (MANE Select); 35 bases into the intron after coding-DNA position 3717, T replaced by C.
Molecular consequence: intron variant.
Genome position (GRCh38, 1-based): chr10:53,866,607, A>G on the plus strand (T>C on the coding strand, the complement: PCDH15 is on the minus strand). VCF-style: chr10-53866607-A-G. GRCh37 (hg19) VCF-style: chr10-55626367-A-G.
Other names: c.3717+35T>C (NM_001354420.2, NM_001354429.2, NM_001142772.2 and 4 more transcripts); c.3732+35T>C (NM_001142771.2, NM_001142763.2); c.3738+35T>C (NM_001354411.2); c.3753+35T>C (NM_001142769.3); c.3651+35T>C (NM_001354404.2, NM_001142773.2, NM_001142768.2); c.3606+35T>C (NM_001142767.2); c.3504+35T>C (NM_001142765.2).
Identifiers: ClinVar variation 674391 (VCV000674391.5), dbSNP rs10825135, ClinGen allele CA5505583.
Genomic context (GRCh38, chr10:53,866,607, plus strand): 5'-GTTTTAAATTAATCTTAGAAGTTCTATAAACTGAAAACACTGACCTATGGCTAGTATCGT[A>G]GCTACTTCCCTTTCCTGAAGTTTTATCTACTTACGAGTACATCGGCTTTGCCGCTCAGTC-3'

ClinVar aggregate classification (germline): Benign. Review status: criteria provided, multiple submitters, no conflicts (2 of 4 stars). 3 submissions from 3 submitters: Benign (3). Last evaluated 2021-07-01.

Conditions:
Usher syndrome type 1F (USH1F). Also called: USHER SYNDROME, TYPE IF. Identifiers: Orphanet 231169, Orphanet 886, MedGen C1865885, MONDO:0011186, OMIM 602083.

Allele frequency attached by ClinVar (database versions not stated): gnomAD exomes 0.39989 and 0.36172; ESP Exome Variant Server 0.35843; 1000 Genomes Project 0.24002; gnomAD 0.34744 and 0.35243; ExAC 0.36244; 1000 Genomes Project 30x 0.24407; TOPMed 0.34311.
gnomAD v4.1: 599,102 of 1,518,040 alleles (39%); highest among the groups gnomAD compares: Middle Eastern, 52%; 124,726 homozygotes.

Submissions (3):

Genome-Nilou Lab
Classification: Benign for Usher syndrome type 1F. Last evaluated: 2021-07-01. Review status: criteria provided, single submitter. Criteria: ACMG Guidelines, 2015. Collection method: clinical testing. Allele origin: germline. Affected: no.

GeneDx
Classification: Benign. Last evaluated: 2018-06-14. Review status: criteria provided, single submitter. Criteria: GeneDx Variant Classification (06012015). Collection method: clinical testing. Allele origin: germline. Affected: yes.
Comment: This variant is considered likely benign or benign based on one or more of the following criteria: it is a conservative change, it occurs at a poorly conserved position in the protein, it is predicted to be benign by multiple in silico algorithms, and/or has population frequency not consistent with disease.

Breakthrough Genomics
Classification: Benign. Review status: criteria provided, single submitter. Criteria: ACMG Guidelines, 2015. Collection method: not provided. Allele origin: germline. Inheritance: Autosomal recessive inheritance. Affected: yes.